The following is an entry in ClinVar:

ClinVar aggregate classification (germline): Uncertain significance (1 of 4 stars; one submission).

gnomAD v4.1: 4 of 1,614,054 alleles (0.00025%); highest among the groups gnomAD compares: Non-Finnish European, 0.00034%; no homozygotes.

Submission:

GeneDx
Classification: Uncertain significance. Last evaluated: 2022-02-24. Review status: criteria provided, single submitter. Criteria: GeneDx Variant Classification Process June 2021. Collection method: clinical testing. Allele origin: germline. Affected: yes.
Comment: Not observed at significant frequency in large population cohorts (gnomAD); In silico analysis supports that this missense variant has a deleterious effect on protein structure/function; Has not been previously published as pathogenic or benign to our knowledge

NM_022455.5(NSD1):c.887C>A (p.Pro296His)

Gene: NSD1 (nuclear receptor binding SET domain protein 1; plus strand). Cytogenetic location: 5q35.3.
Variant type: single nucleotide variant.
Coding change: c.887C>A on transcript NM_022455.5 (MANE Select); coding-DNA position 887, C replaced by A.
Protein change: p.Pro296His; replaces proline 296 with histidine.
Molecular consequence: missense variant.
Genome position (GRCh38, 1-based): chr5:177,135,990, C>A. VCF-style: chr5-177135990-C-A. GRCh37 (hg19) VCF-style: chr5-176562991-C-A.
Other names: c.14C>A, p.Pro5His (NM_001365684.2, NM_001409305.1, NM_001409306.1 and 4 more transcripts); c.887C>A, p.Pro296His (NM_001409301.1, NM_001409302.1, NM_001409303.1); c.467C>A, p.Pro156His (NM_001409304.1); short protein forms P27H, P296H, P156H, P5H.
Identifiers: ClinVar variation 1703304 (VCV001703304.2), dbSNP rs1189702665, ClinGen allele CA362296313.
Genomic context (GRCh38, chr5:177,135,990, plus strand): 5'-TATCTTTTCAGGATGATCCAGATTCCAGTACCAGTACATTAGGAAACATGCTAGAATTAC[C>A]TGGAACTTCATCATCATCTACTTCACAGGAATTGCCATTTGTAAGCAGTTTTTGGTACAA-3'
Protein context (NP_071900.2, residues 286-306): TSTLGNMLEL[Pro296His]GTSSSSTSQE